The following is an entry in ClinVar:

ClinVar aggregate classification (germline): Likely benign (1 of 4 stars; one submission).

gnomAD v4.1: 4,069 of 1,610,080 alleles (0.25%); highest among the groups gnomAD compares: Non-Finnish European, 0.24%; 14 homozygotes.

Submission:

CeGaT Center for Human Genetics Tuebingen
Classification: Likely benign. Last evaluated: 2025-12-01. Review status: criteria provided, single submitter. Criteria: CeGaT Center For Human Genetics Tuebingen Variant Classification Criteria Version 2. Collection method: clinical testing. Allele origin: germline. Affected: yes. Observed: 1 variant allele.
Comment: GREB1: BP4, BP7

NM_014668.4(GREB1):c.2925G>C (p.Ala975=)

Gene: GREB1 (growth regulating estrogen receptor binding 1; plus strand). Cytogenetic location: 2p25.1.
Variant type: single nucleotide variant.
Coding change: c.2925G>C on transcript NM_014668.4 (MANE Select); coding-DNA position 2925, G replaced by C.
Protein change: p.Ala975=; no amino-acid change (alanine 975 retained).
Molecular consequence: synonymous variant.
Genome position (GRCh38, 1-based): chr2:11,610,946, G>C. VCF-style: chr2-11610946-G-C. GRCh37 (hg19) VCF-style: chr2-11751072-G-C.
Identifiers: ClinVar variation 4681355 (VCV004681355.5).